The following is an entry in ClinVar:

NM_001244008.2(KIF1A):c.870C>T (p.Ser290=)

Gene: KIF1A (kinesin family member 1A; minus strand). Cytogenetic location: 2q37.3.
Variant type: single nucleotide variant.
Coding change: c.870C>T on transcript NM_001244008.2 (MANE Select); coding-DNA position 870, C replaced by T.
Protein change: p.Ser290=; no amino-acid change (serine 290 retained).
Molecular consequence: synonymous variant.
Genome position (GRCh38, 1-based): chr2:240,782,602, G>A on the plus strand (C>T on the coding strand, the complement: KIF1A is on the minus strand). VCF-style: chr2-240782602-G-A. GRCh37 (hg19) VCF-style: chr2-241722019-G-A.
Other names: c.870C>T, p.Ser290= (NM_001320705.2, NM_001330289.2, NM_001330290.2 and 20 more transcripts); c.870C>T (NM_001244008.1).
Identifiers: ClinVar variation 778185 (VCV000778185.11), dbSNP rs781227878, ClinGen allele CA2208615.

ClinVar aggregate classification (germline): Likely benign. Review status: criteria provided, multiple submitters, no conflicts (2 of 4 stars). 2 submissions from 2 submitters: Likely benign (2). Last evaluated 2026-02-19.

Conditions:
KIF1A-related disorder. Also called: KIF1A-related disorders; KIF1A-related condition.
Hereditary spastic paraplegia 30. Identifiers: Orphanet 101010, MedGen C5235139, MONDO:0012476.
Intellectual disability, autosomal dominant 9 (NESCAVS). Also called: NESCAV SYNDROME; KIF1A-Related Neurodevelopmental Disorder. Identifiers: Orphanet 662367, MedGen C5393830, MONDO:0013656, OMIM 614255.
Neuropathy, hereditary sensory, type 2C. Also called: Hereditary sensory and autonomic neuropathy type IIC; KIF1A-Related HSAN2 (HSAN2C). Identifiers: Orphanet 970, MedGen C3280168, MONDO:0013634, OMIM 614213.

Allele frequency attached by ClinVar (database versions not stated): TOPMed 0.00002; gnomAD 0.00003; ExAC 0.00005; 1000 Genomes Project 30x 0.00031.
gnomAD v4.1: 26 of 1,552,396 alleles (0.0017%); highest among the groups gnomAD compares: East Asian, 0.0049%; no homozygotes.

Submissions (2):

PreventionGenetics, part of Exact Sciences
Classification: Likely benign for KIF1A-related condition. Last evaluated: 2026-02-19. Review status: criteria provided, single submitter. Criteria: ACMG Guidelines, 2015. Collection method: clinical testing. Allele origin: germline.
Comment: This variant is classified as likely benign based on ACMG/AMP sequence variant interpretation guidelines (Richards et al. 2015 PMID: 25741868, with internal and published modifications).

Labcorp Genetics (formerly Invitae), Labcorp
Classification: Likely benign for Hereditary spastic paraplegia 30; Neuropathy, hereditary sensory, type 2C; Intellectual disability, autosomal dominant 9. Last evaluated: 2025-03-27. Review status: criteria provided, single submitter. Criteria: Invitae Variant Classification Sherloc (09022015). Collection method: clinical testing. Allele origin: germline.